The following is an entry in ClinVar:

NM_001199397.3(NEK1):c.465-3T>C

Gene: NEK1 (NIMA related kinase 1; minus strand). Cytogenetic location: 4q33.
Variant type: single nucleotide variant.
Coding change: c.465-3T>C on transcript NM_001199397.3 (MANE Select); 3 bases into the intron before coding-DNA position 465, T replaced by C.
Molecular consequence: intron variant.
Genome position (GRCh38, 1-based): chr4:169,588,738, A>G on the plus strand (T>C on the coding strand, the complement: NEK1 is on the minus strand). VCF-style: chr4-169588738-A-G. GRCh37 (hg19) VCF-style: chr4-170509889-A-G.
Other names: c.465-3T>C (NM_001374421.1, NM_001374420.1, NM_001199399.3 and 7 more transcripts).
Identifiers: ClinVar variation 457137 (VCV000457137.8), dbSNP rs760376432, ClinGen allele CA3138013.
Genomic context (GRCh38, chr4:169,588,738, plus strand): 5'-GATTTCAGGTGACAAGTAGTATGGGGTCCCTATGCAAGTTCGAGCCAGCTCTACAGTACT[A>G]GAAGAAAAATAAAATTATTGGAGAAGTTAAAGACACAGTCATGTGCCACATTAATGTTGT-3'

ClinVar aggregate classification (germline): Uncertain significance. Review status: criteria provided, single submitter (1 of 4 stars). 2 submissions from 2 submitters: Uncertain significance (1). 1 of the submissions does not count toward it. Last evaluated 2025-12-14.

Conditions:
NEK1-related disorder. Also called: NEK1-related condition.
Short-rib thoracic dysplasia 6 with or without polydactyly (SRTD6). Also called: SHORT-RIB THORACIC DYSPLASIA 6 WITH POLYDACTYLY; SHORT-RIB THORACIC DYSPLASIA 6 WITHOUT POLYDACTYLY; SHORT RIB-POLYDACTYLY SYNDROME, TYPE IIA; POLYDACTYLY WITH NEONATAL CHONDRODYSTROPHY, TYPE II; Majewski Syndrome. Identifiers: MedGen C0024507, MONDO:0009894, OMIM 263520.

Allele frequency attached by ClinVar (database versions not stated): gnomAD exomes 0.00003 and 0.00027; ExAC 0.00004; gnomAD 0.00005 and 0.00007; TOPMed 0.00010.
gnomAD v4.1: 59 of 1,528,118 alleles (0.0039%); highest among the groups gnomAD compares: Admixed American, 0.11%; no homozygotes.

Submissions (2):

Labcorp Genetics (formerly Invitae), Labcorp
Classification: Uncertain significance for Short-rib thoracic dysplasia 6 with or without polydactyly. Last evaluated: 2025-12-14. Review status: criteria provided, single submitter. Criteria: Invitae Variant Classification Sherloc (09022015). Collection method: clinical testing. Allele origin: germline.
Comment: This sequence change falls in intron 6 of the NEK1 gene. It does not directly change the encoded amino acid sequence of the NEK1 protein. It affects a nucleotide within the consensus splice site. This variant is present in population databases (rs760376432, gnomAD 0.2%). This variant has not been reported in the literature in individuals affected with NEK1-related conditions. ClinVar contains an entry for this variant (Variation ID: 457137). Variants that disrupt the consensus splice site are a relatively common cause of aberrant splicing (PMID: 17576681, 9536098). Algorithms developed to predict the effect of sequence changes on RNA splicing suggest that this variant is not likely to affect RNA splicing. In summary, the available evidence is currently insufficient to determine the role of this variant in disease. Therefore, it has been classified as a Variant of Uncertain Significance.

PreventionGenetics, part of Exact Sciences
Classification: Likely benign for NEK1-related condition. Last evaluated: 2022-12-08. Review status: no assertion criteria provided. Collection method: clinical testing. Allele origin: germline. Not counted in ClinVar's aggregate classification.
Comment: This variant is classified as likely benign based on ACMG/AMP sequence variant interpretation guidelines (Richards et al. 2015 PMID: 25741868, with internal and published modifications).

Literature cited by the submitters: PubMed 17576681 (cited by Labcorp Genetics (formerly Invitae), Labcorp); PubMed 9536098 (cited by Labcorp Genetics (formerly Invitae), Labcorp).